The following is an entry in ClinVar:

NM_144991.3(TSPEAR):c.1448G>T (p.Ser483Ile)

Gene: TSPEAR (thrombospondin type laminin G domain and EAR repeats; minus strand). Cytogenetic location: 21q22.3.
Variant type: single nucleotide variant.
Coding change: c.1448G>T on transcript NM_144991.3 (MANE Select); coding-DNA position 1448, G replaced by T.
Protein change: p.Ser483Ile; replaces serine 483 with isoleucine.
Molecular consequence: missense variant.
Genome position (GRCh38, 1-based): chr21:44,522,001, C>A on the plus strand (G>T on the coding strand, the complement: TSPEAR is on the minus strand). VCF-style: chr21-44522001-C-A. GRCh37 (hg19) VCF-style: chr21-45941884-C-A.
Other names: c.1244G>T, p.Ser415Ile (NM_001272037.2); short protein forms S415I, S483I.
Identifiers: ClinVar variation 2573905 (VCV002573905.2), dbSNP rs782023504, ClinGen allele CA10056572.

ClinVar aggregate classification (germline): Uncertain significance (1 of 4 stars; one submission).

Allele frequency attached by ClinVar (database versions not stated): TOPMed below 0.00001; ExAC 0.00001; gnomAD 0.00001.
gnomAD v4.1: 5 of 1,614,056 alleles (0.00031%); highest among the groups gnomAD compares: Non-Finnish European, 0.00042%; no homozygotes.

Submission:

GeneDx
Classification: Uncertain significance. Last evaluated: 2024-09-05. Review status: criteria provided, single submitter. Criteria: GeneDx Variant Classification Process June 2021. Collection method: clinical testing. Allele origin: germline.
Comment: Not observed at significant frequency in large population cohorts (gnomAD); In silico analysis indicates that this missense variant does not alter protein structure/function; Has not been previously published as pathogenic or benign to our knowledge